The following is an entry in ClinVar:

NM_170601.5(SIAE):c.25G>A (p.Gly9Arg)

Gene: SIAE (sialic acid acetylesterase; minus strand). Cytogenetic location: 11q24.2.
Variant type: single nucleotide variant.
Coding change: c.25G>A on transcript NM_170601.5 (MANE Select); coding-DNA position 25, G replaced by A.
Protein change: p.Gly9Arg; replaces glycine 9 with arginine.
Molecular consequence: missense variant. On other transcripts: intron variant (1).
Genome position (GRCh38, 1-based): chr11:124,673,684, C>T on the plus strand (G>A on the coding strand, the complement: SIAE is on the minus strand). VCF-style: chr11-124673684-C-T. GRCh37 (hg19) VCF-style: chr11-124543580-C-T.
Other names: c.-39+1574G>A (NM_001199922.2); short protein forms G9R.
Identifiers: ClinVar variation 1474475 (VCV001474475.6), dbSNP rs566616753, ClinGen allele CA230369192.

ClinVar aggregate classification (germline): Uncertain significance (1 of 4 stars; one submission).

Allele frequency attached by ClinVar (database versions not stated): 1000 Genomes Project 0.00020; 1000 Genomes Project 30x 0.00016.
gnomAD v4.1: 1 of 1,613,632 alleles (0.000062%); highest among the groups gnomAD compares: Admixed American, 0.0017%; no homozygotes.

Submission:

Labcorp Genetics (formerly Invitae), Labcorp
Classification: Uncertain significance. Last evaluated: 2025-09-24. Review status: criteria provided, single submitter. Criteria: Invitae Variant Classification Sherloc (09022015). Collection method: clinical testing. Allele origin: germline.
Comment: This sequence change replaces glycine, which is neutral and non-polar, with arginine, which is basic and polar, at codon 9 of the SIAE protein (p.Gly9Arg). This variant is not present in population databases (gnomAD no frequency). This variant has not been reported in the literature in individuals affected with SIAE-related conditions. ClinVar contains an entry for this variant (Variation ID: 1474475). An algorithm developed to predict the effect of missense changes on protein structure and function (PolyPhen-2) suggests that this variant is likely to be disruptive. In summary, the available evidence is currently insufficient to determine the role of this variant in disease. Therefore, it has been classified as a Variant of Uncertain Significance.